The following is an entry in ClinVar:

NM_001393797.1(ABCC12):c.3963C>T (p.Cys1321=)

Gene: ABCC12 (ATP binding cassette subfamily C member 12; minus strand). Cytogenetic location: 16q12.1.
Variant type: single nucleotide variant.
Coding change: c.3963C>T on transcript NM_001393797.1 (MANE Select); coding-DNA position 3963, C replaced by T.
Protein change: p.Cys1321=; no amino-acid change (cysteine 1321 retained).
Molecular consequence: synonymous variant. On other transcripts: non-coding transcript variant (8).
Genome position (GRCh38, 1-based): chr16:48,083,939, G>A on the plus strand (C>T on the coding strand, the complement: ABCC12 is on the minus strand). VCF-style: chr16-48083939-G-A. GRCh37 (hg19) VCF-style: chr16-48117850-G-A.
Other names: c.492C>T, p.Cys164= (NM_001393798.1); c.585C>T, p.Cys195= (NM_001393799.1); c.3963C>T, p.Cys1321= (NM_033226.3).
Identifiers: ClinVar variation 4983629 (VCV004983629.1).

ClinVar aggregate classification (germline): Likely benign (1 of 4 stars; one submission).

Conditions:
ABCC12-related condition.

gnomAD v4.1: 1,929 of 1,612,306 alleles (0.12%); highest among the groups gnomAD compares: Admixed American, 0.16%; 2 homozygotes.

Submission:

PreventionGenetics, part of Exact Sciences
Classification: Likely benign for ABCC12-related condition. Last evaluated: 2025-12-07. Review status: criteria provided, single submitter. Criteria: ACMG Guidelines, 2015. Collection method: clinical testing. Allele origin: germline.
Comment: This variant is classified as likely benign based on ACMG/AMP sequence variant interpretation guidelines (Richards et al. 2015 PMID: 25741868, with internal and published modifications).